The following is an entry in ClinVar:

ClinVar aggregate classification (germline): Uncertain significance. Review status: criteria provided, multiple submitters, no conflicts (2 of 4 stars). 2 submissions from 2 submitters: Uncertain significance (2). Last evaluated 2025-12-04.

Conditions:
Inborn genetic diseases. Identifiers: MedGen C0950123, MeSH D030342.
Immunodeficiency, common variable, 2 (CVID2). Also called: HYPOGAMMAGLOBULINEMIA DUE TO TACI DEFICIENCY; ANTIBODY DEFICIENCY DUE TO TACI DEFECT. Identifiers: Orphanet 1572, MedGen C3150354, MONDO:0009413, OMIM 240500.

Allele frequency attached by ClinVar (database versions not stated): gnomAD exomes below 0.00001; TOPMed below 0.00001; gnomAD 0.00002.
gnomAD v4.1: 5 of 1,607,548 alleles (0.00031%); highest among the groups gnomAD compares: African/African-American, 0.004%; no homozygotes.

Submissions (2):

Ambry Genetics
Classification: Uncertain significance for Inborn genetic diseases. Last evaluated: 2025-12-04. Review status: criteria provided, single submitter. Criteria: Ambry Variant Classification Scheme 2023. Collection method: clinical testing. Allele origin: germline.

Labcorp Genetics (formerly Invitae), Labcorp
Classification: Uncertain significance for Immunodeficiency, common variable, 2. Last evaluated: 2022-12-02. Review status: criteria provided, single submitter. Criteria: Invitae Variant Classification Sherloc (09022015). Collection method: clinical testing. Allele origin: germline.
Comment: Advanced modeling of protein sequence and biophysical properties (such as structural, functional, and spatial information, amino acid conservation, physicochemical variation, residue mobility, and thermodynamic stability) performed at Invitae indicates that this missense variant is expected to disrupt TNFRSF13B protein function. In summary, the available evidence is currently insufficient to determine the role of this variant in disease. Therefore, it has been classified as a Variant of Uncertain Significance. ClinVar contains an entry for this variant (Variation ID: 1002709). This variant has not been reported in the literature in individuals affected with TNFRSF13B-related conditions. This variant is present in population databases (no rsID available, gnomAD 0.01%). This sequence change replaces serine, which is neutral and polar, with isoleucine, which is neutral and non-polar, at codon 231 of the TNFRSF13B protein (p.Ser231Ile).

NM_012452.3(TNFRSF13B):c.692G>T (p.Ser231Ile)

Gene: TNFRSF13B (TNF receptor superfamily member 13B; minus strand). Cytogenetic location: 17p11.2.
Variant type: single nucleotide variant.
Coding change: c.692G>T on transcript NM_012452.3 (MANE Select); coding-DNA position 692, G replaced by T.
Protein change: p.Ser231Ile; replaces serine 231 with isoleucine.
Molecular consequence: missense variant.
Genome position (GRCh38, 1-based): chr17:16,939,737, C>A on the plus strand (G>T on the coding strand, the complement: TNFRSF13B is on the minus strand). VCF-style: chr17-16939737-C-A. GRCh37 (hg19) VCF-style: chr17-16843051-C-A.
Other names: c.692G>T (NM_012452.2); short protein forms S231I.
Identifiers: ClinVar variation 1002709 (VCV001002709.6), dbSNP rs1416340010, ClinGen allele CA398519220.